The following is an entry in ClinVar:

ClinVar aggregate classification (germline): Benign/Likely benign. Review status: criteria provided, multiple submitters, no conflicts (2 of 4 stars). 6 submissions from 6 submitters: Benign (3); Likely benign (2). 1 of the submissions does not count toward it. Last evaluated 2026-03-01.

Conditions:
KMT2A-related disorder. Also called: KMT2A-related condition.

Allele frequency attached by ClinVar (database versions not stated): gnomAD exomes 0.00016 and 0.00039; ExAC 0.00053; gnomAD 0.00167 and 0.00178; ESP Exome Variant Server 0.00177; 1000 Genomes Project 0.00180; 1000 Genomes Project 30x 0.00187; TOPMed 0.00217.
gnomAD v4.1: 488 of 1,613,982 alleles (0.03%); highest among the groups gnomAD compares: African/African-American, 0.59%; 1 homozygote.

Submissions (6):

CeGaT Center for Human Genetics Tuebingen
Classification: Likely benign. Last evaluated: 2026-03-01. Review status: criteria provided, single submitter. Criteria: CeGaT Center For Human Genetics Tuebingen Variant Classification Criteria Version 2. Collection method: clinical testing. Allele origin: germline. Affected: yes. Observed: 2 variant alleles.
Comment: KMT2A: BP4, BP7, BS1

Labcorp Genetics (formerly Invitae), Labcorp
Classification: Benign. Last evaluated: 2026-01-22. Review status: criteria provided, single submitter. Criteria: Invitae Variant Classification Sherloc (09022015). Collection method: clinical testing. Allele origin: germline.

Blueprint Genetics
Classification: Likely benign. Last evaluated: 2024-07-05. Review status: criteria provided, single submitter. Criteria: ACMG Guidelines, 2015. Collection method: clinical testing. Allele origin: germline.

GeneDx
Classification: Benign. Last evaluated: 2019-09-24. Review status: criteria provided, single submitter. Criteria: GeneDx Variant Classification Process June 2021. Collection method: clinical testing. Allele origin: germline. Affected: yes.

Breakthrough Genomics
Classification: Benign. Review status: criteria provided, single submitter. Criteria: ACMG Guidelines, 2015. Collection method: not provided. Allele origin: germline. Inheritance: Autosomal dominant inheritance. Affected: yes.

PreventionGenetics, part of Exact Sciences
Classification: Likely benign for KMT2A-related condition. Last evaluated: 2019-09-25. Review status: no assertion criteria provided. Collection method: clinical testing. Allele origin: germline. Not counted in ClinVar's aggregate classification.
Comment: This variant is classified as likely benign based on ACMG/AMP sequence variant interpretation guidelines (Richards et al. 2015 PMID: 25741868, with internal and published modifications).

NM_001197104.2(KMT2A):c.4254A>T (p.Gly1418=)

Gene: KMT2A (lysine methyltransferase 2A; plus strand). Cytogenetic location: 11q23.3.
Variant type: single nucleotide variant.
Coding change: c.4254A>T on transcript NM_001197104.2 (MANE Select); coding-DNA position 4254, A replaced by T.
Protein change: p.Gly1418=; no amino-acid change (glycine 1418 retained).
Molecular consequence: synonymous variant.
Genome position (GRCh38, 1-based): chr11:118,484,897, A>T. VCF-style: chr11-118484897-A-T. GRCh37 (hg19) VCF-style: chr11-118355612-A-T.
Other names: c.4254A>T, p.Gly1418= (NM_005933.4).
Identifiers: ClinVar variation 769810 (VCV000769810.30), dbSNP rs147072909, ClinGen allele CA6303828.